The following is an entry in ClinVar:

ClinVar aggregate classification (germline): Conflicting classifications of pathogenicity. Review status: criteria provided, conflicting classifications (1 of 4 stars). 7 submissions from 7 submitters: Uncertain significance (5); Likely benign (2). Last evaluated 2026-07-22.

Conditions:
TTC21B-related disorder. Also called: TTC21B-related disorders; TTC21B-related condition.
Nephronophthisis 12 (NPHP12). Identifiers: Orphanet 655, MedGen C3151186, MONDO:0013442, OMIM 613820.
Asphyxiating thoracic dystrophy 4 (SRTD4). Also called: SHORT-RIB THORACIC DYSPLASIA 4 WITH OR WITHOUT POLYDACTYLY; SHORT-RIB THORACIC DYSPLASIA 4. Identifiers: Orphanet 474, MedGen C3151185, MONDO:0013441, OMIM 613819.
Inborn genetic diseases. Identifiers: MedGen C0950123, MeSH D030342.
Nephronophthisis. Also called: Juvenile Nephronophthisis. Identifiers: Orphanet 655, MedGen C0687120, MONDO:0019005, HP:0000090.
Jeune thoracic dystrophy. Also called: Jeune syndrome; Infantile thoracic dystrophy; Thoracic pelvic phalangeal dystrophy; Jeune's syndrome; Chondroectodermal dysplasia-like syndrome; Short-rib thoracic dysplasia. Identifiers: Orphanet 474, MedGen C0265275, MONDO:0018770.

Allele frequency attached by ClinVar (database versions not stated): gnomAD exomes 0.00004 and 0.00014; gnomAD 0.00006 and 0.00007; ExAC 0.00012; TOPMed 0.00016.
gnomAD v4.1: 73 of 1,613,028 alleles (0.0045%); highest among the groups gnomAD compares: Admixed American, 0.082%; no homozygotes.

Submissions (7):

PreventionGenetics, part of Exact Sciences
Classification: Uncertain significance for TTC21B-related condition. Last evaluated: 2026-07-22. Review status: criteria provided, single submitter. Criteria: ACMG Guidelines, 2015. Collection method: clinical testing. Allele origin: germline.
Comment: The TTC21B c.970T>G variant is predicted to result in the amino acid substitution p.Ser324Ala. To our knowledge, this variant has not been reported in the literature. This variant is reported in 0.084% of alleles in individuals of Latino descent in gnomAD, which may be too common to be an unreported cause of disease. Although we suspect that this variant may be benign, at this time, the clinical significance of this variant is uncertain due to the absence of conclusive functional and genetic evidence.

Labcorp Genetics (formerly Invitae), Labcorp
Classification: Likely benign for Jeune thoracic dystrophy; Nephronophthisis. Last evaluated: 2025-12-01. Review status: criteria provided, single submitter. Criteria: Invitae Variant Classification Sherloc (09022015). Collection method: clinical testing. Allele origin: germline.

Blueprint Genetics
Classification: Likely benign. Last evaluated: 2024-07-23. Review status: criteria provided, single submitter. Criteria: ACMG Guidelines, 2015. Collection method: clinical testing. Allele origin: germline.

Fulgent Genetics
Classification: Uncertain significance for Asphyxiating thoracic dystrophy 4; Nephronophthisis 12. Last evaluated: 2024-02-14. Review status: criteria provided, single submitter. Criteria: ACMG Guidelines, 2015. Collection method: clinical testing. Allele origin: germline.

GeneDx
Classification: Uncertain significance. Last evaluated: 2023-05-03. Review status: criteria provided, single submitter. Criteria: GeneDx Variant Classification Process June 2021. Collection method: clinical testing. Allele origin: germline. Affected: yes.
Comment: In silico analysis supports that this missense variant does not alter protein structure/function; Has not been previously published as pathogenic or benign to our knowledge

Revvity Omics, Revvity
Classification: Uncertain significance. Last evaluated: 2023-03-21. Review status: criteria provided, single submitter. Criteria: ACMG Guidelines, 2015. Collection method: clinical testing. Allele origin: germline.

Ambry Genetics
Classification: Uncertain significance for Inborn genetic diseases. Last evaluated: 2021-06-22. Review status: criteria provided, single submitter. Criteria: Ambry Variant Classification Scheme 2023. Collection method: clinical testing. Allele origin: germline.

NM_024753.5(TTC21B):c.970T>G (p.Ser324Ala)

Gene: TTC21B (tetratricopeptide repeat domain 21B; minus strand). Cytogenetic location: 2q24.3.
Variant type: single nucleotide variant.
Coding change: c.970T>G on transcript NM_024753.5 (MANE Select); coding-DNA position 970, T replaced by G.
Protein change: p.Ser324Ala; replaces serine 324 with alanine.
Molecular consequence: missense variant.
Genome position (GRCh38, 1-based): chr2:165,930,289, A>C on the plus strand (T>G on the coding strand, the complement: TTC21B is on the minus strand). VCF-style: chr2-165930289-A-C. GRCh37 (hg19) VCF-style: chr2-166786799-A-C.
Other names: c.970T>G (NM_024753.3); short protein forms S324A.
Identifiers: ClinVar variation 1434880 (VCV001434880.16), dbSNP rs762885961, ClinGen allele CA1942272.